The following is an entry in ClinVar:

ClinVar aggregate classification (germline): Pathogenic (1 of 4 stars; one submission).

Conditions:
Autosomal recessive limb-girdle muscular dystrophy type 2A (LGMDR1). Also called: LEYDEN-MOEBIUS MUSCULAR DYSTROPHY; Limb-girdle muscular dystrophy, type 2A; Calpainopathy; MUSCULAR DYSTROPHY, PELVOFEMORAL; Muscular dystrophy, limb-girdle, type 2A, Amish. Identifiers: Orphanet 267, MedGen C1869123, MONDO:0009675, OMIM 253600. Disease mechanism: loss of function.

Submission:

Labcorp Genetics (formerly Invitae), Labcorp
Classification: Pathogenic for Autosomal recessive limb-girdle muscular dystrophy type 2A. Last evaluated: 2023-03-01. Review status: criteria provided, single submitter. Criteria: Invitae Variant Classification Sherloc (09022015). Collection method: clinical testing. Allele origin: unknown.
Comment: This variant is a gross deletion of the genomic region encompassing exon(s) 11-13 of the CAPN3 gene. This deletion is out-of-frame, and is expected to create a premature termination codon and result in an absent or disrupted protein product. Loss-of-function variants in CAPN3 are known to be pathogenic (PMID: 10330340, 15689361). This variant has not been reported in the literature in individuals affected with CAPN3-related conditions. For these reasons, this variant has been classified as Pathogenic.

Literature cited by the submitters: PubMed 10330340; PubMed 15689361.

NC_000015.9:g.(?_42693819)_(42695220_?)del

Gene: CAPN3 (calpain 3; plus strand). Cytogenetic location: 15q15.1.
Variant type: Deletion.
Identifiers: ClinVar variation 3243805 (VCV003243805.1).